The following is an entry in ClinVar:

ClinVar aggregate classification (germline): Uncertain significance (1 of 4 stars; one submission).

Conditions:
Nemaline myopathy 2 (NEM2). Also called: Nemaline myopathy 2, autosomal recessive. Identifiers: MedGen C1850569, MONDO:0009725, OMIM 256030.

Submission:

Labcorp Genetics (formerly Invitae), Labcorp
Classification: Uncertain significance for Nemaline myopathy 2. Last evaluated: 2022-05-04. Review status: criteria provided, single submitter. Criteria: Invitae Variant Classification Sherloc (09022015). Collection method: clinical testing. Allele origin: germline.
Comment: This variant occurs in a region of NEB (Exons 82-105) consisting of three highly homologous 8-exon repeat units (exons 82-89, exons 90-97, exons 98-105). Sequence variants in this region can be detected, but this assay cannot determine which of the three repeat units is affected, and zygosity is often ambiguous. All variants in this region are reported relative to the exon 82-89 repeat. This sequence change replaces histidine, which is basic and polar, with arginine, which is basic and polar, at codon 4574 of the NEB protein (p.His4574Arg). The frequency data for this variant in the population databases (gnomAD) is considered unreliable due to the presence of homologous sequence, such as pseudogenes or paralogs, in the genome. This missense change has been observed in individual(s) with clinical features of NEB-related conditions (Invitae). Experimental studies and prediction algorithms are not available or were not evaluated, and the functional significance of this variant is currently unknown. In summary, the available evidence is currently insufficient to determine the role of this variant in disease. Therefore, it has been classified as a Variant of Uncertain Significance.

NM_001164508.2(NEB):c.13719_13721delinsTCG (p.His4574Arg)

Gene: NEB (nebulin; minus strand). Cytogenetic location: 2q23.3.
Variant type: Indel.
Coding change: c.13719_13721delinsTCG on transcript NM_001164508.2 (MANE Select); coding-DNA positions 13719 to 13721, CCA replaced by TCG.
Protein change: p.His4574Arg; replaces histidine 4574 with arginine.
Molecular consequence: missense variant. On other transcripts: intron variant (1).
Genome position (GRCh38, 1-based): chr2:151,600,509-151,600,511, TGG replaced by CGA on the plus strand (CCA replaced by TCG on the coding strand, the reverse complement: NEB is on the minus strand). VCF-style: chr2-151600509-TGG-CGA. GRCh37 (hg19) VCF-style: chr2-152457023-TGG-CGA.
Other names: c.13719_13721delinsTCG, p.His4574Arg (NM_001164507.2, NM_001271208.2); c.11601+9298_11601+9300delinsTCG (NM_004543.5); short protein forms H4574R.
Identifiers: ClinVar variation 1418634 (VCV001418634.3), dbSNP rs2153902861, ClinGen allele CA2573133375.
Genomic context (GRCh38, chr2:151,600,509, plus strand): 5'-TGTAGGTCGTAGGCTTTCCTGGCTTGGATCACATCATTCTGGTCGGGAAAGCAAGACCAG[TGG>CGA]TGCAGGTAATGGCGATAGTCCACATCACTTGCCAGTGCCTGACCTTCTTTGGCAGCGCTG-3'
Protein context (NP_001157980.2, residues 4564-4584): SDVDYRHYLH[His4574Arg]WSCFPDQNDV